The following is an entry in ClinVar:

ClinVar aggregate classification (germline): Uncertain significance (1 of 4 stars; one submission).

gnomAD v4.1: 2 of 1,613,342 alleles (0.00012%); highest among the groups gnomAD compares: African/African-American, 0.0013%; no homozygotes.

Submission:

Dasa
Classification: Uncertain significance. Last evaluated: 2026-02-05. Review status: criteria provided, single submitter. Criteria: DASA Assertion Criteria. Collection method: clinical testing. Allele origin: germline.
Comment: NM_001042424.3(NSD2):c.1540G>A (p.Ala514Thr) is a missense variant that results in the substitution of alanine with threonine. This variant is rare in population databases. The currently available literature and clinical evidence are not sufficient to establish a definitive association between this variant and the reported condition. Therefore, this variant is classified as a variant of uncertain significance.

NM_001042424.3(NSD2):c.1540G>A (p.Ala514Thr)

Gene: NSD2 (nuclear receptor binding SET domain protein 2; plus strand). Cytogenetic location: 4p16.3.
Variant type: single nucleotide variant.
Coding change: c.1540G>A on transcript NM_001042424.3 (MANE Select); coding-DNA position 1540, G replaced by A.
Protein change: p.Ala514Thr; replaces alanine 514 with threonine.
Molecular consequence: missense variant.
Genome position (GRCh38, 1-based): chr4:1,930,755, G>A. VCF-style: chr4-1930755-G-A. GRCh37 (hg19) VCF-style: chr4-1932482-G-A.
Other names: c.1540G>A, p.Ala514Thr (NM_001440892.1, NM_001440894.1, NM_001440895.1 and 8 more transcripts); c.1639G>A, p.Ala547Thr (NM_001440893.1); c.571G>A, p.Ala191Thr (NM_001440899.1, NM_001440900.1); short protein forms A191T, A514T, A547T.
Identifiers: ClinVar variation 4880829 (VCV004880829.2).